The following is an entry in ClinVar:

NM_001110219.3(GJB6):c.*714C>T

Gene: GJB6 (gap junction protein beta 6; minus strand). Cytogenetic location: 13q12.11.
Variant type: single nucleotide variant.
Coding change: c.*714C>T on transcript NM_001110219.3 (MANE Select); 714 bases downstream of the stop codon, C replaced by T.
Molecular consequence: 3 prime UTR variant.
Genome position (GRCh38, 1-based): chr13:20,221,981, G>A on the plus strand (C>T on the coding strand, the complement: GJB6 is on the minus strand). VCF-style: chr13-20221981-G-A. GRCh37 (hg19) VCF-style: chr13-20796120-G-A.
Other names: c.*714C>T (NM_001110220.3, NM_001110221.3, NM_001370090.1 and 3 more transcripts).
Identifiers: ClinVar variation 311373 (VCV000311373.5), dbSNP rs76179836, ClinGen allele CA10642993.

ClinVar aggregate classification (germline): Likely benign (1 of 4 stars; one submission).

Conditions:
Hidrotic ectodermal dysplasia syndrome (GJB6). Also called: Hidrotic ectodermal dysplasia; Ectodermal dysplasia 2, hidrotic; Autosomal dominant hidrotic ectodermal dysplasia; Clouston syndrome; Clouston's hidrotic ectodermal dysplasia; CLOUSTON HIDROTIC ECTODERMAL DYSPLASIA. Identifiers: Orphanet 189, MedGen C0162361, MONDO:0007510, OMIM 129500.

Allele frequency attached by ClinVar (database versions not stated): 1000 Genomes Project 30x 0.00578; gnomAD 0.00656; TOPMed 0.00784; 1000 Genomes Project 0.00539.

Submission:

Illumina Laboratory Services, Illumina
Classification: Likely benign for Hidrotic ectodermal dysplasia syndrome. Last evaluated: 2018-01-12. Review status: criteria provided, single submitter. Criteria: ICSL Variant Classification Criteria 13 December 2019. Collection method: clinical testing. Allele origin: germline.
Comment: This variant was observed in the ICSL laboratory as part of a predisposition screen in an ostensibly healthy population. It had not been previously curated by ICSL or reported in the Human Gene Mutation Database (HGMD: prior to June 1st, 2018), and was therefore a candidate for classification through an automated scoring system. Utilizing variant allele frequency, disease prevalence and penetrance estimates, and inheritance mode, an automated score was calculated to assess if this variant is too frequent to cause the disease. Based on the score and internal cut-off values, a variant classified as likely benign is not then subjected to further curation. The score for this variant resulted in a classification of likely benign for this disease.